The following is an entry in ClinVar:

ClinVar aggregate classification (germline): Uncertain significance. Review status: criteria provided, multiple submitters, no conflicts (2 of 4 stars). 2 submissions from 2 submitters: Uncertain significance (2). Last evaluated 2026-01-15.

Conditions:
Inborn genetic diseases. Identifiers: MedGen C0950123, MeSH D030342.
Congenital factor V deficiency. Also called: LABILE FACTOR DEFICIENCY; OWREN PARAHEMOPHILIA; PARAHEMOPHILIA; Hereditary factor V deficiency disease. Identifiers: Orphanet 326, MedGen C0015499, MONDO:0009210, OMIM 227400.

Allele frequency attached by ClinVar (database versions not stated): TOPMed 0.00001; ExAC 0.00002; gnomAD 0.00002; gnomAD exomes 0.00002.
gnomAD v4.1: 38 of 1,613,912 alleles (0.0024%); highest among the groups gnomAD compares: South Asian, 0.036%; no homozygotes.

Submissions (2):

Labcorp Genetics (formerly Invitae), Labcorp
Classification: Uncertain significance for Congenital factor V deficiency. Last evaluated: 2026-01-15. Review status: criteria provided, single submitter. Criteria: Invitae Variant Classification Sherloc (09022015). Collection method: clinical testing. Allele origin: germline.
Comment: This sequence change replaces isoleucine, which is neutral and non-polar, with valine, which is neutral and non-polar, at codon 836 of the F5 protein (p.Ile836Val). This variant is present in population databases (rs750068762, gnomAD 0.02%). This variant has not been reported in the literature in individuals affected with F5-related conditions. ClinVar contains an entry for this variant (Variation ID: 2275537). Invitae Evidence Modeling of protein sequence and biophysical properties (such as structural, functional, and spatial information, amino acid conservation, physicochemical variation, residue mobility, and thermodynamic stability) indicates that this missense variant is not expected to disrupt F5 protein function with a negative predictive value of 80%. In summary, the available evidence is currently insufficient to determine the role of this variant in disease. Therefore, it has been classified as a Variant of Uncertain Significance.

Ambry Genetics
Classification: Uncertain significance for Inborn genetic diseases. Last evaluated: 2022-02-03. Review status: criteria provided, single submitter. Criteria: Ambry Variant Classification Scheme 2023. Collection method: clinical testing. Allele origin: germline.

NM_000130.5(F5):c.2506A>G (p.Ile836Val)

Gene: F5 (coagulation factor V; minus strand). Cytogenetic location: 1q24.2.
Variant type: single nucleotide variant.
Coding change: c.2506A>G on transcript NM_000130.5 (MANE Select); coding-DNA position 2506, A replaced by G.
Protein change: p.Ile836Val; replaces isoleucine 836 with valine.
Molecular consequence: missense variant.
Genome position (GRCh38, 1-based): chr1:169,542,584, T>C on the plus strand (A>G on the coding strand, the complement: F5 is on the minus strand). VCF-style: chr1-169542584-T-C. GRCh37 (hg19) VCF-style: chr1-169511822-T-C.
Other names: short protein forms I836V.
Identifiers: ClinVar variation 2275537 (VCV002275537.3), dbSNP rs750068762, ClinGen allele CA1234077.